The following is an entry in ClinVar:

ClinVar aggregate classification (germline): Conflicting classifications of pathogenicity. Review status: criteria provided, conflicting classifications (1 of 4 stars). 3 submissions from 3 submitters: Uncertain significance (2); Likely benign (1). Last evaluated 2026-06-02.

Conditions:
Ehlers-Danlos syndrome, classic type, 1 (EDSCL1). Also called: Ehlers-Danlos syndrome, type 1; Ehlers-Danlos Syndrome, Classic Type, COL5A1-Related; EDS I; EHLERS-DANLOS SYNDROME, GRAVIS TYPE; EHLERS-DANLOS SYNDROME, SEVERE CLASSIC TYPE. Identifiers: MedGen C0268335, MONDO:0019567, OMIM 130000.
Familial thoracic aortic aneurysm and aortic dissection (TAAD). Also called: Thoracic aortic aneurysms and dissections. Identifiers: Orphanet 91387, MedGen C4707243, MONDO:0019625.

Allele frequency attached by ClinVar (database versions not stated): TOPMed below 0.00001; gnomAD 0.00001; gnomAD exomes 0.00001.
gnomAD v4.1: 9 of 1,609,416 alleles (0.00056%); highest among the groups gnomAD compares: Admixed American, 0.0017%; no homozygotes.

Submissions (3):

Ambry Genetics
Classification: Uncertain significance for Familial thoracic aortic aneurysm and aortic dissection. Last evaluated: 2026-06-02. Review status: criteria provided, single submitter. Criteria: Ambry Variant Classification Scheme 2023. Collection method: clinical testing. Allele origin: germline.
Comment: The p.A389S variant (also known as c.1165G>T), located in coding exon 19 of the COL5A2 gene, results from a G to T substitution at nucleotide position 1165. The alanine at codon 389 is replaced by serine, an amino acid with similar properties. This amino acid position is well conserved in available vertebrate species. In addition, this alteration is predicted to be tolerated by in silico analysis. Based on the available evidence, the clinical significance of this variant remains unclear.

GeneDx
Classification: Uncertain significance. Last evaluated: 2025-12-02. Review status: criteria provided, single submitter. Criteria: GeneDx Variant Classification Process June 2021. Collection method: clinical testing. Allele origin: germline.
Comment: Not observed at significant frequency in large population cohorts (gnomAD); In silico analysis suggests that this missense variant does not alter protein structure/function; Has not been previously published as pathogenic or benign to our knowledge

Labcorp Genetics (formerly Invitae), Labcorp
Classification: Likely benign for Ehlers-Danlos syndrome, classic type, 1. Last evaluated: 2025-06-24. Review status: criteria provided, single submitter. Criteria: Invitae Variant Classification Sherloc (09022015). Collection method: clinical testing. Allele origin: germline.

NM_000393.5(COL5A2):c.1165G>T (p.Ala389Ser)

Gene: COL5A2 (collagen type V alpha 2 chain; minus strand). Cytogenetic location: 2q32.2.
Variant type: single nucleotide variant.
Coding change: c.1165G>T on transcript NM_000393.5 (MANE Select); coding-DNA position 1165, G replaced by T.
Protein change: p.Ala389Ser; replaces alanine 389 with serine.
Molecular consequence: missense variant.
Genome position (GRCh38, 1-based): chr2:189,068,878, C>A on the plus strand (G>T on the coding strand, the complement: COL5A2 is on the minus strand). VCF-style: chr2-189068878-C-A. GRCh37 (hg19) VCF-style: chr2-189933604-C-A.
Other names: c.1165G>T (NM_000393.3); short protein forms A389S.
Identifiers: ClinVar variation 1912334 (VCV001912334.8), dbSNP rs1001063455, ClinGen allele CA62557046.